The following is an entry in ClinVar:

NM_001101.5(ACTB):c.1011C>T (p.Tyr337=)

Gene: ACTB (actin beta; minus strand). Cytogenetic location: 7p22.1.
Variant type: single nucleotide variant.
Coding change: c.1011C>T on transcript NM_001101.5 (MANE Select); coding-DNA position 1011, C replaced by T.
Protein change: p.Tyr337=; no amino-acid change (tyrosine 337 retained).
Molecular consequence: synonymous variant.
Genome position (GRCh38, 1-based): chr7:5,527,865, G>A on the plus strand (C>T on the coding strand, the complement: ACTB is on the minus strand). VCF-style: chr7-5527865-G-A. GRCh37 (hg19) VCF-style: chr7-5567496-G-A.
Other names: c.1011C>T (LRG_132t1).
Identifiers: ClinVar variation 534592 (VCV000534592.14), dbSNP rs748194756, ClinGen allele CA4146849.

ClinVar aggregate classification (germline): Likely benign. Review status: criteria provided, multiple submitters, no conflicts (2 of 4 stars). 3 submissions from 3 submitters: Likely benign (3). Last evaluated 2025-12-01.

Conditions:
Baraitser-Winter syndrome 1 (BRWS1). Also called: BARAITSER-WINTER SYNDROME 1, ATYPICAL; PACHYGYRIA, MENTAL RETARDATION, EPILEPSY, AND CHARACTERISTIC FACIES; MENTAL RETARDATION WITH EPILEPSY AND CHARACTERISTIC FACIES; Cerebrofrontofacial syndrome. Identifiers: Orphanet 2649, Orphanet 2995, MedGen C1855722, MONDO:0009470, OMIM 243310.

Allele frequency attached by ClinVar (database versions not stated): ExAC 0.00002; gnomAD exomes 0.00006 and 0.00013; TOPMed 0.00007; gnomAD 0.00009.
gnomAD v4.1: 200 of 1,613,956 alleles (0.012%); highest among the groups gnomAD compares: Non-Finnish European, 0.016%; no homozygotes.

Submissions (3):

Labcorp Genetics (formerly Invitae), Labcorp
Classification: Likely benign for Baraitser-Winter syndrome 1. Last evaluated: 2025-12-01. Review status: criteria provided, single submitter. Criteria: Invitae Variant Classification Sherloc (09022015). Collection method: clinical testing. Allele origin: germline.

Blueprint Genetics
Classification: Likely benign. Last evaluated: 2024-08-02. Review status: criteria provided, single submitter. Criteria: ACMG Guidelines, 2015. Collection method: clinical testing. Allele origin: germline.

GeneDx
Classification: Likely benign. Last evaluated: 2020-08-10. Review status: criteria provided, single submitter. Criteria: GeneDx Variant Classification Process June 2021. Collection method: clinical testing. Allele origin: germline. Affected: yes.
Comment: In silico analysis, which includes splice predictors and evolutionary conservation, supports that this variant does not alter protein structure/function; Has not been previously published as pathogenic or benign to our knowledge